The following is an entry in ClinVar:

NM_000154.2(GALK1):c.260G>A (p.Arg87Gln)

Gene: GALK1 (galactokinase 1; minus strand). Cytogenetic location: 17q25.1.
Variant type: single nucleotide variant.
Coding change: c.260G>A on transcript NM_000154.2 (MANE Select); coding-DNA position 260, G replaced by A.
Protein change: p.Arg87Gln; replaces arginine 87 with glutamine.
Molecular consequence: missense variant.
Genome position (GRCh38, 1-based): chr17:75,763,992, C>T on the plus strand (G>A on the coding strand, the complement: GALK1 is on the minus strand). VCF-style: chr17-75763992-C-T. GRCh37 (hg19) VCF-style: chr17-73760073-C-T.
Other names: c.260G>A, p.Arg87Gln (NM_001381985.1); short protein forms R87Q.
Identifiers: ClinVar variation 968997 (VCV000968997.3), dbSNP rs572575400, ClinGen allele CA8771015.

ClinVar aggregate classification (germline): Uncertain significance (1 of 4 stars; one submission).

Conditions:
Deficiency of galactokinase. Also called: Galactokinase deficiency with cataracts; GALACTOSEMIA II. Identifiers: Orphanet 352, Orphanet 79237, MedGen C0268155, MONDO:0009255, OMIM 230200.

Allele frequency attached by ClinVar (database versions not stated): gnomAD 0.00001 and 0.00003; TOPMed 0.00002; gnomAD exomes 0.00019; ExAC 0.00035; 1000 Genomes Project 30x 0.00047; 1000 Genomes Project 0.00060.
gnomAD v4.1: 91 of 1,612,058 alleles (0.0056%); highest among the groups gnomAD compares: South Asian, 0.084%; no homozygotes.

Submission:

Labcorp Genetics (formerly Invitae), Labcorp
Classification: Uncertain significance for Deficiency of galactokinase. Last evaluated: 2021-08-26. Review status: criteria provided, single submitter. Criteria: Invitae Variant Classification Sherloc (09022015). Collection method: clinical testing. Allele origin: germline.
Comment: This sequence change replaces arginine with glutamine at codon 87 of the GALK1 protein (p.Arg87Gln). The arginine residue is moderately conserved and there is a small physicochemical difference between arginine and glutamine. This variant is present in population databases (rs572575400, ExAC 0.2%). This variant has not been reported in the literature in individuals affected with GALK1-related conditions. Algorithms developed to predict the effect of missense changes on protein structure and function (SIFT, PolyPhen-2, Align-GVGD) all suggest that this variant is likely to be tolerated. In summary, the available evidence is currently insufficient to determine the role of this variant in disease. Therefore, it has been classified as a Variant of Uncertain Significance.